The following is an entry in ClinVar:

NM_000092.5(COL4A4):c.3913_3914delinsG (p.Pro1305fs)

Gene: COL4A4 (collagen type IV alpha 4 chain; minus strand). Cytogenetic location: 2q36.3.
Variant type: Indel.
Coding change: c.3913_3914delinsG on transcript NM_000092.5 (MANE Select); coding-DNA positions 3913 to 3914, CC replaced by G.
Protein change: p.Pro1305fs; shifts the reading frame from proline 1305.
Molecular consequence: frameshift variant.
Genome position (GRCh38, 1-based): chr2:227,030,502-227,030,503, GG replaced by C on the plus strand (CC replaced by G on the coding strand, the reverse complement: COL4A4 is on the minus strand). VCF-style: chr2-227030502-GG-C. GRCh37 (hg19) VCF-style: chr2-227895218-GG-C.
Other names: short protein forms P1305fs.
Identifiers: ClinVar variation 5012534 (VCV005012534.1).

ClinVar aggregate classification (germline): Pathogenic (1 of 4 stars; one submission).

Conditions:
Alport syndrome. Also called: Hemorrhagic familial nephritis; Hemorrhagic hereditary nephritis; Congenital hereditary hematuria. Identifiers: Orphanet 63, MedGen C1567741, MONDO:0018965.

Submission:

Myriad Genetics, Inc.
Classification: Pathogenic for Alport syndrome. Last evaluated: 2023-12-02. Review status: criteria provided, single submitter. Criteria: Myriad Autosomal Dominant, Autosomal Recessive and X-Linked Classification Criteria (2023). Collection method: clinical testing. Allele origin: unknown.
Comment: NM_000092.4(COL4A4):c.3913_3914delCCinsG(P1305Dfs*83) is expected to be pathogenic in the context of Alport syndrome, COL4A4-related. This variant is predicted to lead to an abnormal or absent protein product due to the creation of a premature termination codon in COL4A4, a gene where loss-of-function variants are known to be pathogenic. Please note: this variant was assessed in the context of healthy population screening.